The following is an entry in ClinVar:

NM_024334.3(TMEM43):c.13-6C>T

Gene: TMEM43 (transmembrane protein 43; plus strand). Cytogenetic location: 3p25.1.
Variant type: single nucleotide variant.
Coding change: c.13-6C>T on transcript NM_024334.3 (MANE Select); 6 bases into the intron before coding-DNA position 13, C replaced by T.
Molecular consequence: intron variant.
Genome position (GRCh38, 1-based): chr3:14,129,406, C>T. VCF-style: chr3-14129406-C-T. GRCh37 (hg19) VCF-style: chr3-14170906-C-T.
Other names: c.13-6C>T (NM_001407274.1, NM_001407276.1, NM_001407275.1 and 3 more transcripts); c.13-1416C>T (NM_001407280.1).
Identifiers: ClinVar variation 3386076 (VCV003386076.1).

ClinVar aggregate classification (germline): Likely benign (1 of 4 stars; one submission).

Conditions:
Arrhythmogenic right ventricular dysplasia 5. Also called: Arrhythmogenic Right Ventricular Dysplasia/Cardiomyopathy 5; ARRHYTHMOGENIC RIGHT VENTRICULAR DYSPLASIA, FAMILIAL, 5. Identifiers: MedGen C1858379, MONDO:0011459, OMIM 604400.

Submission:

All of Us Research Program, National Institutes of Health
Classification: Likely benign for Arrhythmogenic right ventricular dysplasia 5. Last evaluated: 2024-07-20. Review status: criteria provided, single submitter. Criteria: ACMG Guidelines, 2015. Collection method: clinical testing. Allele origin: germline. Inheritance: Autosomal dominant inheritance. Observed: 1 variant allele, 1 heterozygote.
Comment: This study involves interpretation of variants in research participants for the purpose of population health screening. Participant phenotype was not available at the time of variant classification. Additional details can be found in publication PMID: 35346344, PMCID: PMC8962531